The following is an entry in ClinVar:

NM_005908.4(MANBA):c.2015-55G>A

Gene: MANBA (mannosidase beta; minus strand). Cytogenetic location: 4q24.
Variant type: single nucleotide variant.
Coding change: c.2015-55G>A on transcript NM_005908.4 (MANE Select); 55 bases into the intron before coding-DNA position 2015, G replaced by A.
Molecular consequence: intron variant.
Genome position (GRCh38, 1-based): chr4:102,636,062, C>T on the plus strand (G>A on the coding strand, the complement: MANBA is on the minus strand). VCF-style: chr4-102636062-C-T. GRCh37 (hg19) VCF-style: chr4-103557219-C-T.
Identifiers: ClinVar variation 667470 (VCV000667470.2), dbSNP rs2866414, ClinGen allele CA11730982.

ClinVar aggregate classification (germline): Benign. Review status: criteria provided, multiple submitters, no conflicts (2 of 4 stars). 2 submissions from 2 submitters: Benign (2). Last evaluated 2018-06-19.

Allele frequency attached by ClinVar (database versions not stated): 1000 Genomes Project 0.54912; gnomAD 0.54971 and 0.55354; 1000 Genomes Project 30x 0.55824; TOPMed 0.56706.
gnomAD v4.1: 787,334 of 1,515,904 alleles (52%); highest among the groups gnomAD compares: Admixed American, 70%; 207,012 homozygotes.

Submissions (2):

GeneDx
Classification: Benign. Last evaluated: 2018-06-19. Review status: criteria provided, single submitter. Criteria: GeneDx Variant Classification (06012015). Collection method: clinical testing. Allele origin: germline. Affected: yes.
Comment: This variant is considered likely benign or benign based on one or more of the following criteria: it is a conservative change, it occurs at a poorly conserved position in the protein, it is predicted to be benign by multiple in silico algorithms, and/or has population frequency not consistent with disease.

Breakthrough Genomics
Classification: Benign. Review status: criteria provided, single submitter. Criteria: ACMG Guidelines, 2015. Collection method: not provided. Allele origin: germline. Inheritance: Autosomal recessive inheritance. Affected: yes.